The following is an entry in ClinVar:

ClinVar aggregate classification (germline): Uncertain significance (1 of 4 stars; one submission).

Conditions:
Cardiovascular phenotype. Identifiers: MedGen CN230736.

Submission:

Ambry Genetics
Classification: Uncertain significance for Cardiovascular phenotype. Last evaluated: 2026-08-29. Review status: criteria provided, single submitter. Criteria: Ambry Variant Classification Scheme 2023. Collection method: clinical testing. Allele origin: germline.
Comment: The p.K236T variant (also known as c.707A>C), located in coding exon 5 of the SOS2 gene, results from an A to C substitution at nucleotide position 707. The lysine at codon 236 is replaced by threonine, an amino acid with similar properties. This amino acid position is conserved. In addition, this alteration is predicted to be tolerated by in silico analysis. Based on the available evidence, the clinical significance of this variant remains unclear.

NM_006939.4(SOS2):c.707A>C (p.Lys236Thr)

Gene: SOS2 (SOS Ras/Rho guanine nucleotide exchange factor 2; minus strand). Cytogenetic location: 14q21.3.
Variant type: single nucleotide variant.
Coding change: c.707A>C on transcript NM_006939.4 (MANE Select); coding-DNA position 707, A replaced by C.
Protein change: p.Lys236Thr; replaces lysine 236 with threonine.
Molecular consequence: missense variant.
Genome position (GRCh38, 1-based): chr14:50,188,504, T>G on the plus strand (A>C on the coding strand, the complement: SOS2 is on the minus strand). VCF-style: chr14-50188504-T-G. GRCh37 (hg19) VCF-style: chr14-50655222-T-G.
Other names: c.707A>C, p.Lys236Thr (NM_001411020.1); short protein forms K236T.
Identifiers: ClinVar variation 5030040 (VCV005030040.1).